The following is an entry in ClinVar:

NM_000321.3(RB1):c.408A>C (p.Lys136Asn)

Gene: RB1 (RB transcriptional corepressor 1; plus strand). Cytogenetic location: 13q14.2.
Variant type: single nucleotide variant.
Coding change: c.408A>C on transcript NM_000321.3 (MANE Select); coding-DNA position 408, A replaced by C.
Protein change: p.Lys136Asn; replaces lysine 136 with asparagine.
Molecular consequence: missense variant.
Genome position (GRCh38, 1-based): chr13:48,345,107, A>C. VCF-style: chr13-48345107-A-C. GRCh37 (hg19) VCF-style: chr13-48919243-A-C.
Other names: c.408A>C, p.Lys136Asn (NM_001407165.1, NM_001407166.1); short protein forms K136N.
Identifiers: ClinVar variation 1737688 (VCV001737688.5), dbSNP rs2542159257, ClinGen allele CA388252652.
Genomic context (GRCh38, chr13:48,345,107, plus strand): 5'-CTGATTTACTTTTTTCTATTCTTTCCTTTGTAGTGTCCATAAATTCTTTAACTTACTAAA[A>C]GAAATTGATACCAGTACCAAAGTTGATAATGCTATGTCAAGACTGTTGAAGAAGTATGAT-3'
Protein context (NP_000312.2, residues 126-146): ISVHKFFNLL[Lys136Asn]EIDTSTKVDN

ClinVar aggregate classification (germline): Conflicting classifications of pathogenicity. Review status: criteria provided, conflicting classifications (1 of 4 stars). 2 submissions from 2 submitters: Uncertain significance (1); Likely benign (1). Last evaluated 2026-05-18.

Conditions:
Hereditary cancer-predisposing syndrome. Also called: Neoplastic Syndromes, Hereditary; Tumor predisposition; Hereditary Cancer Syndrome; Hereditary neoplastic syndrome. Identifiers: Orphanet 140162, MedGen C0027672, MeSH D009386, MONDO:0015356.
Retinoblastoma (RB1). Also called: RETINOBLASTOMA, SOMATIC. Identifiers: Orphanet 790, MedGen C0035335, MeSH D012175, MONDO:0008380, OMIM 180200, HP:0009919. Disease mechanism: loss of function. Inheritance: Both sporadic and heritable forms are tested..

Submissions (2):

Ambry Genetics
Classification: Likely benign for Hereditary cancer-predisposing syndrome. Last evaluated: 2026-05-18. Review status: criteria provided, single submitter. Criteria: Ambry Variant Classification Scheme 2023. Collection method: clinical testing. Allele origin: germline.

Labcorp Genetics (formerly Invitae), Labcorp
Classification: Uncertain significance for Retinoblastoma. Last evaluated: 2025-01-15. Review status: criteria provided, single submitter. Criteria: Invitae Variant Classification Sherloc (09022015). Collection method: clinical testing. Allele origin: germline.
Comment: This sequence change replaces lysine, which is basic and polar, with asparagine, which is neutral and polar, at codon 136 of the RB1 protein (p.Lys136Asn). This variant is not present in population databases (gnomAD no frequency). This variant has not been reported in the literature in individuals affected with RB1-related conditions. ClinVar contains an entry for this variant (Variation ID: 1737688). Invitae Evidence Modeling of protein sequence and biophysical properties (such as structural, functional, and spatial information, amino acid conservation, physicochemical variation, residue mobility, and thermodynamic stability) indicates that this missense variant is not expected to disrupt RB1 protein function with a negative predictive value of 80%. In summary, the available evidence is currently insufficient to determine the role of this variant in disease. Therefore, it has been classified as a Variant of Uncertain Significance.